The following is an entry in ClinVar:

NM_004055.5(CAPN5):c.1022G>A (p.Arg341His)

Gene: CAPN5 (calpain 5; plus strand). Cytogenetic location: 11q13.5.
Variant type: single nucleotide variant.
Coding change: c.1022G>A on transcript NM_004055.5 (MANE Select); coding-DNA position 1022, G replaced by A.
Protein change: p.Arg341His; replaces arginine 341 with histidine.
Molecular consequence: missense variant.
Genome position (GRCh38, 1-based): chr11:77,118,207, G>A. VCF-style: chr11-77118207-G-A. GRCh37 (hg19) VCF-style: chr11-76829253-G-A.
Other names: c.1022G>A (NM_004055.4); short protein forms R341H.
Identifiers: ClinVar variation 1522374 (VCV001522374.10), dbSNP rs782209266, ClinGen allele CA6196663.

ClinVar aggregate classification (germline): Conflicting classifications of pathogenicity. Review status: criteria provided, conflicting classifications (1 of 4 stars). 3 submissions from 3 submitters: Uncertain significance (2); Likely benign (1). Last evaluated 2025-01-26.

Conditions:
Inborn genetic diseases. Identifiers: MedGen C0950123, MeSH D030342.

Allele frequency attached by ClinVar (database versions not stated): TOPMed 0.00004; gnomAD 0.00005 and 0.00006.
gnomAD v4.1: 33 of 1,613,930 alleles (0.002%); highest among the groups gnomAD compares: East Asian, 0.0045%; 1 homozygote.

Submissions (3):

Ambry Genetics
Classification: Uncertain significance for Inborn genetic diseases. Last evaluated: 2025-01-26. Review status: criteria provided, single submitter. Criteria: Ambry Variant Classification Scheme 2023. Collection method: clinical testing. Allele origin: germline.

Labcorp Genetics (formerly Invitae), Labcorp
Classification: Uncertain significance. Last evaluated: 2024-03-07. Review status: criteria provided, single submitter. Criteria: Invitae Variant Classification Sherloc (09022015). Collection method: clinical testing. Allele origin: germline.
Comment: This sequence change replaces arginine, which is basic and polar, with histidine, which is basic and polar, at codon 341 of the CAPN5 protein (p.Arg341His). This variant is present in population databases (rs782209266, gnomAD 0.008%). This variant has not been reported in the literature in individuals affected with CAPN5-related conditions. ClinVar contains an entry for this variant (Variation ID: 1522374). Advanced modeling of protein sequence and biophysical properties (such as structural, functional, and spatial information, amino acid conservation, physicochemical variation, residue mobility, and thermodynamic stability) performed at Invitae indicates that this missense variant is not expected to disrupt CAPN5 protein function with a negative predictive value of 80%. In summary, the available evidence is currently insufficient to determine the role of this variant in disease. Therefore, it has been classified as a Variant of Uncertain Significance.

Blueprint Genetics
Classification: Likely benign. Last evaluated: 2023-05-31. Review status: criteria provided, single submitter. Criteria: ACMG Guidelines, 2015. Collection method: clinical testing. Allele origin: germline.